The following is an entry in ClinVar:

NM_014727.3(KMT2B):c.896G>A (p.Gly299Asp)

Gene: KMT2B (lysine methyltransferase 2B; plus strand). Cytogenetic location: 19q13.12.
Variant type: single nucleotide variant.
Coding change: c.896G>A on transcript NM_014727.3 (MANE Select); coding-DNA position 896, G replaced by A.
Protein change: p.Gly299Asp; replaces glycine 299 with aspartic acid.
Molecular consequence: missense variant.
Genome position (GRCh38, 1-based): chr19:35,720,243, G>A. VCF-style: chr19-35720243-G-A. GRCh37 (hg19) VCF-style: chr19-36211145-G-A.
Other names: short protein forms G299D.
Identifiers: ClinVar variation 1708811 (VCV001708811.5), dbSNP rs924503881, ClinGen allele CA307782442.

ClinVar aggregate classification (germline): Uncertain significance. Review status: criteria provided, multiple submitters, no conflicts (2 of 4 stars). 2 submissions from 2 submitters: Uncertain significance (2). Last evaluated 2023-10-13.

Allele frequency attached by ClinVar (database versions not stated): gnomAD exomes below 0.00001; gnomAD 0.00001; TOPMed 0.00003.

Submissions (2):

Labcorp Genetics (formerly Invitae), Labcorp
Classification: Uncertain significance. Last evaluated: 2023-10-13. Review status: criteria provided, single submitter. Criteria: Invitae Variant Classification Sherloc (09022015). Collection method: clinical testing. Allele origin: germline.
Comment: This sequence change replaces glycine, which is neutral and non-polar, with aspartic acid, which is acidic and polar, at codon 299 of the KMT2B protein (p.Gly299Asp). This variant is not present in population databases (gnomAD no frequency). This variant has not been reported in the literature in individuals affected with KMT2B-related conditions. ClinVar contains an entry for this variant (Variation ID: 1708811). Advanced modeling of protein sequence and biophysical properties (such as structural, functional, and spatial information, amino acid conservation, physicochemical variation, residue mobility, and thermodynamic stability) has been performed at Invitae for this missense variant, however the output from this modeling did not meet the statistical confidence thresholds required to predict the impact of this variant on KMT2B protein function. In summary, the available evidence is currently insufficient to determine the role of this variant in disease. Therefore, it has been classified as a Variant of Uncertain Significance.

GeneDx
Classification: Uncertain significance. Last evaluated: 2022-04-07. Review status: criteria provided, single submitter. Criteria: GeneDx Variant Classification Process June 2021. Collection method: clinical testing. Allele origin: germline. Affected: yes.
Comment: Not observed at significant frequency in large population cohorts (gnomAD); In silico analysis supports that this missense variant does not alter protein structure/function; Has not been previously published as pathogenic or benign to our knowledge